The following is an entry in ClinVar:

NM_001276345.2(TNNT2):c.403G>A (p.Asp135Asn)

Gene: TNNT2 (troponin T2, cardiac type; minus strand). Cytogenetic location: 1q32.1.
Variant type: single nucleotide variant.
Coding change: c.403G>A on transcript NM_001276345.2 (MANE Select); coding-DNA position 403, G replaced by A.
Protein change: p.Asp135Asn; replaces aspartic acid 135 with asparagine.
Molecular consequence: missense variant. On other transcripts: intron variant (1).
Genome position (GRCh38, 1-based): chr1:201,365,199, C>T on the plus strand (G>A on the coding strand, the complement: TNNT2 is on the minus strand). VCF-style: chr1-201365199-C-T. GRCh37 (hg19) VCF-style: chr1-201334327-C-T.
Other names: c.403G>A, p.Asp135Asn (NM_000364.4); c.373G>A, p.Asp125Asn (NM_001001430.3, NM_001001431.3, NM_001276347.2); c.358G>A, p.Asp120Asn (NM_001001432.3); c.291+411G>A (NM_001276346.2); short protein forms D125N, D135N, D120N.
Identifiers: ClinVar variation 847775 (VCV000847775.21), dbSNP rs765359025, ClinGen allele CA088986.

ClinVar aggregate classification (germline): Conflicting classifications of pathogenicity. Review status: criteria provided, conflicting classifications (1 of 4 stars). 9 submissions from 7 submitters: Uncertain significance (8); Likely benign (1). Last evaluated 2025-10-07.

Conditions:
TNNT2-related disorder. Also called: TNNT2-related condition.
Cardiovascular phenotype. Identifiers: MedGen CN230736.
Cardiomyopathy, familial restrictive, 3. Identifiers: Orphanet 75249, MedGen C2676271, MONDO:0012900, OMIM 612422.
Hypertrophic cardiomyopathy 2. Also called: TNNT2-Related Familial Hypertrophic Cardiomyopathy. Identifiers: MedGen C1861864, MONDO:0007266, OMIM 115195.
Dilated cardiomyopathy 1D. Identifiers: Orphanet 154, Orphanet 54260, MedGen C1832243, MONDO:0011095, OMIM 601494.
Cardiomyopathy (CMYO). Also called: Cardiomyopathies. Identifiers: Orphanet 167848, MedGen C0878544, MONDO:0004994, HP:0001638. Inheritance: Various modes of inheritance.

Allele frequency attached by ClinVar (database versions not stated): ExAC 0.00001; gnomAD 0.00003 and 0.00004; TOPMed 0.00003.
gnomAD v4.1: 15 of 1,613,758 alleles (0.00093%); highest among the groups gnomAD compares: African/African-American, 0.02%; no homozygotes.

Submissions (9):

Ambry Genetics
Classification: Uncertain significance for Cardiovascular phenotype. Last evaluated: 2025-10-07. Review status: criteria provided, single submitter. Criteria: Ambry Variant Classification Scheme 2023. Collection method: clinical testing. Allele origin: germline.

Color Diagnostics, LLC DBA Color Health
Classification: Likely benign for Cardiomyopathy. Last evaluated: 2025-09-04. Review status: criteria provided, single submitter. Criteria: ACMG Guidelines, 2015. Collection method: clinical testing. Allele origin: germline.

PreventionGenetics, part of Exact Sciences
Classification: Uncertain significance for TNNT2-related condition. Last evaluated: 2025-07-30. Review status: criteria provided, single submitter. Criteria: ACMG Guidelines, 2015. Collection method: clinical testing. Allele origin: germline.
Comment: The TNNT2 c.373G>A variant is predicted to result in the amino acid substitution p.Asp125Asn. To our knowledge, this variant has not been reported in the literature. This variant is reported in 0.016% of alleles in individuals of African descent in gnomAD. At this time, the clinical significance of this variant is uncertain due to the absence of conclusive functional and genetic evidence.

Labcorp Genetics (formerly Invitae), Labcorp
Classification: Uncertain significance for Cardiomyopathy, familial restrictive, 3; Hypertrophic cardiomyopathy 2; Dilated cardiomyopathy 1D. Last evaluated: 2025-01-19. Review status: criteria provided, single submitter. Criteria: Invitae Variant Classification Sherloc (09022015). Collection method: clinical testing. Allele origin: germline.
Comment: This sequence change replaces aspartic acid, which is acidic and polar, with asparagine, which is neutral and polar, at codon 125 of the TNNT2 protein (p.Asp125Asn). This variant is present in population databases (rs765359025, gnomAD 0.02%). This variant has not been reported in the literature in individuals affected with TNNT2-related conditions. ClinVar contains an entry for this variant (Variation ID: 847775). Invitae Evidence Modeling of protein sequence and biophysical properties (such as structural, functional, and spatial information, amino acid conservation, physicochemical variation, residue mobility, and thermodynamic stability) indicates that this missense variant is not expected to disrupt TNNT2 protein function with a negative predictive value of 80%. In summary, the available evidence is currently insufficient to determine the role of this variant in disease. Therefore, it has been classified as a Variant of Uncertain Significance.

All of Us Research Program, National Institutes of Health
Classification: Uncertain significance for Cardiomyopathy. Last evaluated: 2024-08-06. Review status: criteria provided, single submitter. Criteria: ACMG Guidelines, 2015. Collection method: clinical testing. Allele origin: germline. Inheritance: Autosomal dominant inheritance. Observed: 5 variant alleles, 5 heterozygotes.
Comment: This missense variant replaces aspartic acid with asparagine at codon 125 of the TNNT2 protein. Computational prediction suggests that this variant may not impact protein structure and function (internally defined REVEL score threshold <= 0.5, PMID: 27666373). To our knowledge, functional studies have not been reported for this variant. This variant has not been reported in individuals affected with cardiovascular disorders in the literature. This variant has been identified in 4/282876 chromosomes in the general population by the Genome Aggregation Database (gnomAD). The available evidence is insufficient to determine the role of this variant in disease conclusively. Therefore, this variant is classified as a Variant of Uncertain Significance.

This study involves interpretation of variants in research participants for the purpose of population health screening. Participant phenotype was not available at the time of variant classification. Additional details can be found in publication PMID: 35346344, PMCID: PMC8962531

Genome-Nilou Lab
Classification: Uncertain significance for Dilated cardiomyopathy 1D. Last evaluated: 2023-04-11. Review status: criteria provided, single submitter. Criteria: ACMG Guidelines, 2015. Collection method: clinical testing. Allele origin: germline. Affected: no.

Genome-Nilou Lab
Classification: Uncertain significance for Cardiomyopathy, familial restrictive, 3. Last evaluated: 2023-04-11. Review status: criteria provided, single submitter. Criteria: ACMG Guidelines, 2015. Collection method: clinical testing. Allele origin: germline. Affected: no.

Genome-Nilou Lab
Classification: Uncertain significance for Hypertrophic cardiomyopathy 2. Last evaluated: 2023-04-11. Review status: criteria provided, single submitter. Criteria: ACMG Guidelines, 2015. Collection method: clinical testing. Allele origin: germline. Affected: no.

GeneDx
Classification: Uncertain significance. Last evaluated: 2023-02-03. Review status: criteria provided, single submitter. Criteria: GeneDx Variant Classification Process June 2021. Collection method: clinical testing. Allele origin: germline. Affected: yes.
Comment: Not observed at significant frequency in large population cohorts (gnomAD); In silico analysis supports that this missense variant does not alter protein structure/function; Has not been previously published as pathogenic or benign to our knowledge